The following is an entry in ClinVar:

ClinVar aggregate classification (germline): Uncertain significance (1 of 4 stars; one submission).

Submission:

GeneDx
Classification: Uncertain significance. Last evaluated: 2019-09-12. Review status: criteria provided, single submitter. Criteria: GeneDx Variant Classification Process June 2021. Collection method: clinical testing. Allele origin: germline. Affected: yes.
Comment: Not observed in large population cohorts (Lek et al., 2016); Frameshift variant predicted to result in protein truncation or nonsense mediated decay in a gene for which loss-of-function is not a known mechanism of disease; Has not been previously published as pathogenic or benign to our knowledge

NM_006922.4(SCN3A):c.4362del (p.Phe1454fs)

Gene: SCN3A (sodium voltage-gated channel alpha subunit 3; minus strand). Cytogenetic location: 2q24.3.
Variant type: Deletion.
Coding change: c.4362del on transcript NM_006922.4 (MANE Select); coding-DNA position 4362, one base deleted (T; older notation c.4362delT).
Protein change: p.Phe1454fs; shifts the reading frame from phenylalanine 1454.
Molecular consequence: frameshift variant.
Genome position (GRCh38, 1-based): chr2:165,095,580, A deleted on the plus strand (T on the coding strand, the reverse complement: SCN3A is on the minus strand); the first of 3 consecutive A bases (chr2:165,095,580-165,095,582); deleting any one gives the same sequence. VCF-style (leftmost placement, unchanged base first): chr2-165095579-CA-C. GRCh37 (hg19) VCF-style: chr2-165952089-CA-C.
Other names: c.4215del, p.Phe1405fs (NM_001081676.2, NM_001081677.2); short protein forms F1405fs, F1454fs.
Identifiers: ClinVar variation 1312103 (VCV001312103.2), dbSNP rs2105640828, ClinGen allele CA2573051689.